The following is an entry in ClinVar:

ClinVar aggregate classification (germline): Uncertain significance. Review status: criteria provided, multiple submitters, no conflicts (2 of 4 stars). 2 submissions from 2 submitters: Uncertain significance (2). Last evaluated 2025-10-02.

Conditions:
Emery-Dreifuss muscular dystrophy 4, autosomal dominant (EDMD4). Also called: EMERY-DREIFUSS MUSCULAR DYSTROPHY 4 WITH VARIABLE FEATURES. Identifiers: Orphanet 261, MedGen C2751807, MONDO:0013071, OMIM 612998.
Autosomal recessive ataxia, Beauce type. Also called: SYNE1 Deficiency; Spinocerebellar ataxia, autosomal recessive 8; ATAXIA, RECESSIVE, OF BEAUCE; SYNE1-Related Autosomal Recessive Cerebellar Ataxia. Identifiers: Orphanet 88644, MedGen C1853116, MONDO:0012549, OMIM 610743.

Allele frequency attached by ClinVar (database versions not stated): gnomAD exomes below 0.00001 and 0.00003; TOPMed below 0.00001; gnomAD 0.00001.
gnomAD v4.1: 40 of 1,614,050 alleles (0.0025%); highest among the groups gnomAD compares: Non-Finnish European, 0.0033%; no homozygotes.

Submissions (2):

Labcorp Genetics (formerly Invitae), Labcorp
Classification: Uncertain significance for Emery-Dreifuss muscular dystrophy 4, autosomal dominant; Autosomal recessive ataxia, Beauce type. Last evaluated: 2025-10-02. Review status: criteria provided, single submitter. Criteria: Invitae Variant Classification Sherloc (09022015). Collection method: clinical testing. Allele origin: germline.
Comment: This sequence change replaces cysteine, which is neutral and slightly polar, with glycine, which is neutral and non-polar, at codon 2520 of the SYNE1 protein (p.Cys2520Gly). This variant is present in population databases (no rsID available, gnomAD 0.0009%). This variant has not been reported in the literature in individuals affected with SYNE1-related conditions. ClinVar contains an entry for this variant (Variation ID: 502093). An algorithm developed to predict the effect of missense changes on protein structure and function (PolyPhen-2) suggests that this variant is likely to be disruptive. In summary, the available evidence is currently insufficient to determine the role of this variant in disease. Therefore, it has been classified as a Variant of Uncertain Significance.

Eurofins Ntd Llc (ga)
Classification: Uncertain significance. Last evaluated: 2017-05-23. Review status: criteria provided, single submitter. Criteria: EGL Classification Definitions 2015. Collection method: clinical testing. Allele origin: germline. Observed: 1 variant allele, 1 heterozygote.

NM_182961.4(SYNE1):c.7537T>G (p.Cys2513Gly)

Gene: SYNE1 (spectrin repeat containing nuclear envelope protein 1; minus strand). Cytogenetic location: 6q25.2.
Variant type: single nucleotide variant.
Coding change: c.7537T>G on transcript NM_182961.4 (MANE Select); coding-DNA position 7537, T replaced by G.
Protein change: p.Cys2513Gly; replaces cysteine 2513 with glycine.
Molecular consequence: missense variant.
Genome position (GRCh38, 1-based): chr6:152,396,794, A>C on the plus strand (T>G on the coding strand, the complement: SYNE1 is on the minus strand). VCF-style: chr6-152396794-A-C. GRCh37 (hg19) VCF-style: chr6-152717929-A-C.
Other names: c.7558T>G, p.Cys2520Gly (NM_033071.5); short protein forms C2513G, C2520G.
Identifiers: ClinVar variation 502093 (VCV000502093.10), dbSNP rs1271079717, ClinGen allele CA366112724.